The following is an entry in ClinVar:

NM_001378328.1(CELSR1):c.2609C>G (p.Pro870Arg)

Gene: CELSR1 (cadherin EGF LAG seven-pass G-type receptor 1; minus strand). Cytogenetic location: 22q13.31.
Variant type: single nucleotide variant.
Coding change: c.2609C>G on transcript NM_001378328.1 (MANE Select); coding-DNA position 2609, C replaced by G.
Protein change: p.Pro870Arg; replaces proline 870 with arginine.
Molecular consequence: missense variant.
Genome position (GRCh38, 1-based): chr22:46,534,562, G>C on the plus strand (C>G on the coding strand, the complement: CELSR1 is on the minus strand). VCF-style: chr22-46534562-G-C. GRCh37 (hg19) VCF-style: chr22-46930459-G-C.
Other names: c.2609C>G, p.Pro870Arg (NM_014246.4); short protein forms P870R.
Identifiers: ClinVar variation 1318840 (VCV001318840.2), dbSNP rs770798141, ClinGen allele CA411942017.

ClinVar aggregate classification (germline): Uncertain significance (1 of 4 stars; one submission).

Submission:

GeneDx
Classification: Uncertain significance. Last evaluated: 2020-02-21. Review status: criteria provided, single submitter. Criteria: GeneDx Variant Classification Process June 2021. Collection method: clinical testing. Allele origin: germline. Affected: yes.
Comment: Not observed in large population cohorts (Lek et al., 2016); In silico analysis supports that this missense variant has a deleterious effect on protein structure/function; Has not been previously published as pathogenic or benign to our knowledge